The following is an entry in ClinVar:

ClinVar aggregate classification (germline): Uncertain significance (1 of 4 stars; one submission).

Allele frequency attached by ClinVar (database versions not stated): ExAC 0.00002; gnomAD 0.00013.
gnomAD v4.1: 35 of 1,613,382 alleles (0.0022%); highest among the groups gnomAD compares: Admixed American, 0.05%; no homozygotes.

Submission:

Labcorp Genetics (formerly Invitae), Labcorp
Classification: Uncertain significance. Last evaluated: 2024-10-24. Review status: criteria provided, single submitter. Criteria: Invitae Variant Classification Sherloc (09022015). Collection method: clinical testing. Allele origin: germline.
Comment: This sequence change replaces isoleucine, which is neutral and non-polar, with leucine, which is neutral and non-polar, at codon 458 of the PTH1R protein (p.Ile458Leu). This variant is present in population databases (rs774702999, gnomAD 0.02%). This variant has not been reported in the literature in individuals affected with PTH1R-related conditions. ClinVar contains an entry for this variant (Variation ID: 2420867). Invitae Evidence Modeling of protein sequence and biophysical properties (such as structural, functional, and spatial information, amino acid conservation, physicochemical variation, residue mobility, and thermodynamic stability) indicates that this missense variant is not expected to disrupt PTH1R protein function with a negative predictive value of 80%. This variant disrupts the p.Ile458 amino acid residue in PTH1R. Other variant(s) that disrupt this residue have been observed in individuals with PTH1R-related conditions (PMID: 10487664, 23950054), which suggests that this may be a clinically significant amino acid residue. In summary, the available evidence is currently insufficient to determine the role of this variant in disease. Therefore, it has been classified as a Variant of Uncertain Significance.

Literature cited by the submitters: PubMed 10487664; PubMed 23950054.

NM_000316.3(PTH1R):c.1372A>T (p.Ile458Leu)

Gene: PTH1R (parathyroid hormone 1 receptor; plus strand). Cytogenetic location: 3p21.31.
Variant type: single nucleotide variant.
Coding change: c.1372A>T on transcript NM_000316.3 (MANE Select); coding-DNA position 1372, A replaced by T.
Protein change: p.Ile458Leu; replaces isoleucine 458 with leucine.
Molecular consequence: missense variant.
Genome position (GRCh38, 1-based): chr3:46,902,767, A>T. VCF-style: chr3-46902767-A-T. GRCh37 (hg19) VCF-style: chr3-46944257-A-T.
Other names: c.1372A>T, p.Ile458Leu (NM_001184744.1); short protein forms I458L.
Identifiers: ClinVar variation 2420867 (VCV002420867.6), dbSNP rs774702999, ClinGen allele CA2359509.